The following is an entry in ClinVar:

ClinVar aggregate classification (germline): Uncertain significance (1 of 4 stars; one submission).

Conditions:
Hereditary factor VIII deficiency disease (HEMA). Also called: AUTOSOMAL HEMOPHILIA A; Hemophilia A; HEMOPHILIA, CLASSIC; Hemophilia A, congenital; HEM A; Factor 8 deficiency, congenital. Identifiers: Orphanet 98878, MedGen C0019069, MONDO:0010602, OMIM 306700.

Submission:

ARUP Laboratories, Molecular Genetics and Genomics, ARUP Laboratories
Classification: Uncertain significance for Hereditary factor VIII deficiency disease. Last evaluated: 2018-08-17. Review status: criteria provided, single submitter. Criteria: ARUP Molecular Germline Variant Investigation Process. Collection method: clinical testing. Allele origin: germline.
Comment: The F8 c.1010-9T>A variant, to our knowledge, is not reported in the medical literature or gene-specific databases. This variant is absent from general population databases (1000 Genomes Project, Exome Variant Server, and Genome Aggregation Database), indicating it is not a common polymorphism. This is an intronic variant in a moderately conserved nucleotide, and computational analyses (Alamut v.2.11) predict that this variant may impact splicing by simultaneously creating a novel acceptor splice site and weakening the nearby canonical acceptor splice site. If this novel splice site were utilized, this would create a frameshift and would be predicted to result in a truncated protein or mRNA subject to nonsense-mediated decay. However, considering available information, the clinical significance of this variant cannot be determined with certainty.

NM_000132.4(F8):c.1010-9T>A

Gene: F8 (coagulation factor VIII; minus strand). Cytogenetic location: Xq28.
Variant type: single nucleotide variant.
Coding change: c.1010-9T>A on transcript NM_000132.4 (MANE Select); 9 bases into the intron before coding-DNA position 1010, T replaced by A.
Molecular consequence: intron variant.
Genome position (GRCh38, 1-based): chrX:154,966,696, A>T on the plus strand (T>A on the coding strand, the complement: F8 is on the minus strand). VCF-style: chrX-154966696-A-T. GRCh37 (hg19) VCF-style: chrX-154194971-A-T.
Identifiers: ClinVar variation 811112 (VCV000811112.8), dbSNP rs1603435287, ClinGen allele CA915952190.
Genomic context (GRCh38, chrX:154,966,696, plus strand): 5'-AGTTGGGGTTCCTCTGGACAGCTGTCTACTTTGACATAAGCTTCCATGCCATCTGGAGTC[A>T]GACAAACCAAACAATGTCAGAGTGTCTTGCTATATTAGGCTGTTCTATACCAGAGACTAG-3'